The following is an entry in ClinVar:

ClinVar aggregate classification (germline): Uncertain significance. Review status: criteria provided, multiple submitters, no conflicts (2 of 4 stars). 4 submissions from 4 submitters: Uncertain significance (3). 1 of the submissions does not count toward it. Last evaluated 2026-01-20.

Conditions:
Fanconi anemia (FA). Also called: Fanconi's anemia. Identifiers: Orphanet 84, MedGen C0015625, MeSH D005199, MONDO:0019391.
Fanconi anemia complementation group C (FANCC). Also called: FANCONI PANCYTOPENIA, TYPE 3; FACC; Fanconi anemia, group C; FANCC-Related Fanconi Anemia. Identifiers: Orphanet 84, MedGen C3468041, MONDO:0009213, OMIM 227645.

Allele frequency attached by ClinVar (database versions not stated): gnomAD exomes below 0.00001 and 0.00001; ExAC 0.00001; gnomAD 0.00001; TOPMed 0.00001; ESP Exome Variant Server 0.00008; 1000 Genomes Project 30x 0.00016; 1000 Genomes Project 0.00020.
gnomAD v4.1: 11 of 1,612,826 alleles (0.00068%); highest among the groups gnomAD compares: Middle Eastern, 0.016%; no homozygotes.

Submissions (4):

Labcorp Genetics (formerly Invitae), Labcorp
Classification: Uncertain significance for Fanconi anemia. Last evaluated: 2026-01-20. Review status: criteria provided, single submitter. Criteria: Invitae Variant Classification Sherloc (09022015). Collection method: clinical testing. Allele origin: germline.
Comment: This sequence change falls in intron 10 of the FANCC gene. It does not directly change the encoded amino acid sequence of the FANCC protein. It affects a nucleotide within the consensus splice site. This variant is present in population databases (rs200934877, gnomAD 0.0009%). This variant has not been reported in the literature in individuals affected with FANCC-related conditions. ClinVar contains an entry for this variant (Variation ID: 966788). Variants that disrupt the consensus splice site are a relatively common cause of aberrant splicing (PMID: 17576681, 9536098). Algorithms developed to predict the effect of sequence changes on RNA splicing suggest that this variant is not likely to affect RNA splicing. In summary, the available evidence is currently insufficient to determine the role of this variant in disease. Therefore, it has been classified as a Variant of Uncertain Significance.

GeneDx
Classification: Uncertain significance. Last evaluated: 2025-08-27. Review status: criteria provided, single submitter. Criteria: GeneDx Variant Classification Process June 2021. Collection method: clinical testing. Allele origin: germline. Affected: yes.
Comment: Not observed at significant frequency in large population cohorts (gnomAD); In silico analysis is inconclusive as to whether the variant alters gene splicing. In the absence of RNA/functional studies, the actual effect of this sequence change is unknown.; Has not been previously published as pathogenic or benign to our knowledge

Fulgent Genetics
Classification: Uncertain significance for Fanconi anemia complementation group C. Last evaluated: 2024-06-01. Review status: criteria provided, single submitter. Criteria: ACMG Guidelines, 2015. Collection method: clinical testing. Allele origin: germline.

Natera, Inc.
Classification: Uncertain significance for Fanconi anemia. Last evaluated: 2017-09-08. Review status: no assertion criteria provided. Collection method: clinical testing. Allele origin: germline. Not counted in ClinVar's aggregate classification.

Literature cited by the submitters: PubMed 17576681 (cited by Labcorp Genetics (formerly Invitae), Labcorp); PubMed 9536098 (cited by Labcorp Genetics (formerly Invitae), Labcorp).

NM_000136.3(FANCC):c.996+6T>C

Genes: AOPEP (aminopeptidase O (putative); plus strand), FANCC (FA complementation group C; minus strand). Cytogenetic location: 9q22.32.
Variant type: single nucleotide variant.
Coding change: c.996+6T>C on transcript NM_000136.3 (MANE Select); 6 bases into the intron after coding-DNA position 996, T replaced by C.
Molecular consequence: intron variant.
Genome position (GRCh38, 1-based): chr9:95,125,080, A>G on the plus strand (T>C on the coding strand, the complement: FANCC is on the minus strand). VCF-style: chr9-95125080-A-G. GRCh37 (hg19) VCF-style: chr9-97887362-A-G.
Other names: c.996+6T>C (NM_001243743.2, NM_001243744.2).
Identifiers: ClinVar variation 966788 (VCV000966788.17), dbSNP rs200934877, ClinGen allele CA5137569.